The following is an entry in ClinVar:

ClinVar aggregate classification (germline): Uncertain significance (1 of 4 stars; one submission).

Conditions:
Cardiovascular phenotype. Identifiers: MedGen CN230736.

Allele frequency attached by ClinVar (database versions not stated): TOPMed below 0.00001; gnomAD 0.00001.
gnomAD v4.1: 3 of 1,612,556 alleles (0.00019%); highest among the groups gnomAD compares: Non-Finnish European, 0.00025%; no homozygotes.

Submission:

Ambry Genetics
Classification: Uncertain significance for Cardiovascular phenotype. Last evaluated: 2016-10-28. Review status: criteria provided, single submitter. Criteria: Ambry Variant Classification Scheme 2023. Collection method: clinical testing. Allele origin: germline.
Comment: The p.E84* variant (also known as c.250G>T), located in coding exon 5 of the TNNI3 gene, results from a G to T substitution at nucleotide position 250. This changes the amino acid from a glutamic acid to a stop codon within coding exon 5. This alteration was not reported in population-based cohorts in the following databases: Database of Single Nucleotide Polymorphisms (dbSNP), NHLBI Exome Sequencing Project (ESP), Exome Aggregation Consortium (ExAC), and 1000 Genomes Project. In the ESP, this variant was not observed in 5481 samples (10962 alleles) with coverage at this position. This alteration is expected to result in either premature protein truncation or haploinsufficiency by nonsense-mediated mRNA decay. Haploinsufficiency for TNNI3 has not been clearly established as a mechanism of disease, however, as most mutations in troponin proteins are thought to alter the calcium sensitivity of cardiomyocyte contraction. Since supporting evidence is limited at this time, the clinical significance of this alteration remains unclear.

Literature cited by the submitters: PubMed 18006163; PubMed 18467357; PubMed 21533915; PubMed 21835320.

NM_000363.5(TNNI3):c.250G>T (p.Glu84Ter)

Gene: TNNI3 (troponin I3, cardiac type; minus strand). Cytogenetic location: 19q13.42.
Variant type: single nucleotide variant.
Coding change: c.250G>T on transcript NM_000363.5 (MANE Select); coding-DNA position 250, G replaced by T.
Protein change: p.Glu84Ter; replaces glutamic acid 84 with a stop codon.
Molecular consequence: nonsense.
Genome position (GRCh38, 1-based): chr19:55,156,233, C>A on the plus strand (G>T on the coding strand, the complement: TNNI3 is on the minus strand). VCF-style: chr19-55156233-C-A. GRCh37 (hg19) VCF-style: chr19-55667601-C-A.
Other names: c.250G>T (LRG_432t1); short protein forms E84*.
Identifiers: ClinVar variation 264334 (VCV000264334.5), dbSNP rs759523214, ClinGen allele CA10587920.